The following is an entry in ClinVar:

ClinVar aggregate classification (germline): Conflicting classifications of pathogenicity. Review status: criteria provided, conflicting classifications (1 of 4 stars). 3 submissions from 3 submitters: Uncertain significance (2); Likely benign (1). Last evaluated 2026-09-09.

Conditions:
COL11A2-related disorder. Also called: COL11A2-related disorders; COL11A2-related condition.

Allele frequency attached by ClinVar (database versions not stated): gnomAD 0.00001; ExAC 0.00002; gnomAD exomes 0.00002; TOPMed 0.00002; ESP Exome Variant Server 0.00008.
gnomAD v4.1: 37 of 1,613,986 alleles (0.0023%); highest among the groups gnomAD compares: Non-Finnish European, 0.0027%; no homozygotes.

Submissions (3):

PreventionGenetics, part of Exact Sciences
Classification: Uncertain significance for COL11A2-related condition. Last evaluated: 2026-09-09. Review status: criteria provided, single submitter. Criteria: ACMG Guidelines, 2015. Collection method: clinical testing. Allele origin: germline.
Comment: The COL11A2 c.689G>A variant is predicted to result in the amino acid substitution p.Gly230Glu. To our knowledge, this variant has not been reported in the literature. This variant is reported in 0.0062% of alleles in individuals of African descent in gnomAD. At this time, the clinical significance of this variant is uncertain due to the absence of conclusive functional and genetic evidence.

Labcorp Genetics (formerly Invitae), Labcorp
Classification: Likely benign. Last evaluated: 2024-04-25. Review status: criteria provided, single submitter. Criteria: Invitae Variant Classification Sherloc (09022015). Collection method: clinical testing. Allele origin: germline.

GeneDx
Classification: Uncertain significance. Last evaluated: 2023-06-02. Review status: criteria provided, single submitter. Criteria: GeneDx Variant Classification Process June 2021. Collection method: clinical testing. Allele origin: germline. Affected: yes.
Comment: Not observed at significant frequency in large population cohorts (gnomAD); In silico analysis supports that this missense variant does not alter protein structure/function; Has not been previously published as pathogenic or benign to our knowledge

NM_080680.3(COL11A2):c.689G>A (p.Gly230Glu)

Gene: COL11A2 (collagen type XI alpha 2 chain; minus strand). Cytogenetic location: 6p21.32.
Variant type: single nucleotide variant.
Coding change: c.689G>A on transcript NM_080680.3 (MANE Select); coding-DNA position 689, G replaced by A.
Protein change: p.Gly230Glu; replaces glycine 230 with glutamic acid.
Molecular consequence: missense variant.
Genome position (GRCh38, 1-based): chr6:33,186,736, C>T on the plus strand (G>A on the coding strand, the complement: COL11A2 is on the minus strand). VCF-style: chr6-33186736-C-T. GRCh37 (hg19) VCF-style: chr6-33154513-C-T.
Other names: c.689G>A, p.Gly230Glu (NM_001163771.2, NM_080679.3, NM_080681.3); short protein forms G230E.
Identifiers: ClinVar variation 1018168 (VCV001018168.10), dbSNP rs143571317, ClinGen allele CA3751595.
Genomic context (GRCh38, chr6:33,186,736, plus strand): 5'-TGCTGTGGAGATCTCTGGGCTCTGTGAGGCTGTTGGTTTTGGGGTCTTTCCCTCTGGCCC[C>T]CCTCGCATTCCAGCTCCTTCTGTTCACATGATTCATAGGCTGCCTGGACCCCTGGGACAA-3'
Protein context (NP_542411.2, residues 220-240): SCEQKELECE[Gly230Glu]GQRERPQNQQ